The following is an entry in ClinVar:

NM_001114753.3(ENG):c.1852+36G>T

Gene: ENG (endoglin; minus strand). Cytogenetic location: 9q34.11.
Variant type: single nucleotide variant.
Coding change: c.1852+36G>T on transcript NM_001114753.3 (MANE Select); 36 bases into the intron after coding-DNA position 1852, G replaced by T.
Molecular consequence: intron variant.
Genome position (GRCh38, 1-based): chr9:127,815,907, C>A on the plus strand (G>T on the coding strand, the complement: ENG is on the minus strand). VCF-style: chr9-127815907-C-A. GRCh37 (hg19) VCF-style: chr9-130578186-C-A.
Other names: c.*10G>T (NM_000118.4); c.1306+36G>T (NM_001278138.2).
Identifiers: ClinVar variation 810880 (VCV000810880.9), dbSNP rs1588572388, ClinGen allele CA915947166.
Genomic context (GRCh38, chr9:127,815,907, plus strand): 5'-TGGCCAGGGCCCCTCAATCCCTCAGAGGCTTCACTGGGCTCCCCCGGGTGGATGGAGGGG[C>A]CCGGCATGCTCACTGTGGGGGCCTGGGGTACTCACGCGTGTGCGAGTAGATGTACCAGAG-3'

ClinVar aggregate classification (germline): Conflicting classifications of pathogenicity. Review status: criteria provided, conflicting classifications (1 of 4 stars). 2 submissions from 2 submitters: Uncertain significance (1); Likely benign (1). Last evaluated 2025-04-24.

Conditions:
Telangiectasia, hereditary hemorrhagic, type 1 (HHT1). Also called: Osler Weber Rendu syndrome type 1; ENG-Related Hereditary Hemorrhagic Telangiectasia. Identifiers: Orphanet 774, MedGen C4551861, MONDO:0008535, OMIM 187300. Disease mechanism: loss of function.

Submissions (2):

GeneDx
Classification: Uncertain significance. Last evaluated: 2025-04-24. Review status: criteria provided, single submitter. Criteria: GeneDx Variant Classification Process June 2021. Collection method: clinical testing. Allele origin: germline. Affected: yes.
Comment: Has not been previously published as pathogenic or benign to our knowledge; Not observed at significant frequency in large population cohorts (gnomAD); Located in a regulatory region; in the absence of functional studies, the actual effect of this sequence change is unknown; Nucleotide is not conserved across species and the substitution has no predicted effect on splicing

ARUP Laboratories, Molecular Genetics and Genomics, ARUP Laboratories
Classification: Likely benign for Telangiectasia, hereditary hemorrhagic, type 1. Last evaluated: 2019-07-01. Review status: criteria provided, single submitter. Criteria: ARUP Molecular Germline Variant Investigation Process. Collection method: clinical testing. Allele origin: germline.